The following is an entry in ClinVar:

ClinVar aggregate classification (germline): Uncertain significance. Review status: criteria provided, multiple submitters, no conflicts (2 of 4 stars). 2 submissions from 2 submitters: Uncertain significance (2). Last evaluated 2022-03-02.

Conditions:
Inborn genetic diseases. Identifiers: MedGen C0950123, MeSH D030342.
Greig cephalopolysyndactyly syndrome (GCPS). Also called: POLYSYNDACTYLY WITH PECULIAR SKULL SHAPE; Greig syndrome; GLI3-Related Greig Cephalopolysyndactyly Syndrome. Identifiers: Orphanet 380, MedGen C0265306, MONDO:0008287, OMIM 175700.
Pallister-Hall syndrome (PHS). Also called: HYPOTHALAMIC HAMARTOBLASTOMA, HYPOPITUITARISM, IMPERFORATE ANUS, AND POSTAXIAL POLYDACTYLY; GLI3-Related Pallister-Hall Syndrome. Identifiers: Orphanet 672, MedGen C0265220, MONDO:0007804, OMIM 146510.

Allele frequency attached by ClinVar (database versions not stated): ExAC 0.00001; gnomAD exomes 0.00002.

Submissions (2):

Labcorp Genetics (formerly Invitae), Labcorp
Classification: Uncertain significance for Pallister-Hall syndrome; Greig cephalopolysyndactyly syndrome. Last evaluated: 2022-03-02. Review status: criteria provided, single submitter. Criteria: Invitae Variant Classification Sherloc (09022015). Collection method: clinical testing. Allele origin: germline.
Comment: In summary, the available evidence is currently insufficient to determine the role of this variant in disease. Therefore, it has been classified as a Variant of Uncertain Significance. Algorithms developed to predict the effect of missense changes on protein structure and function (SIFT, PolyPhen-2, Align-GVGD) all suggest that this variant is likely to be tolerated. This variant has not been reported in the literature in individuals affected with GLI3-related conditions. This variant is present in population databases (rs765318570, gnomAD 0.002%). This sequence change replaces alanine, which is neutral and non-polar, with valine, which is neutral and non-polar, at codon 353 of the GLI3 protein (p.Ala353Val).

Ambry Genetics
Classification: Uncertain significance for Inborn genetic diseases. Last evaluated: 2021-10-18. Review status: criteria provided, single submitter. Criteria: Ambry Variant Classification Scheme 2023. Collection method: clinical testing. Allele origin: germline.

NM_000168.6(GLI3):c.1058C>T (p.Ala353Val)

Gene: GLI3 (GLI family zinc finger 3; minus strand). Cytogenetic location: 7p14.1.
Variant type: single nucleotide variant.
Coding change: c.1058C>T on transcript NM_000168.6 (MANE Select); coding-DNA position 1058, C replaced by T.
Protein change: p.Ala353Val; replaces alanine 353 with valine.
Molecular consequence: missense variant.
Genome position (GRCh38, 1-based): chr7:42,026,383, G>A on the plus strand (C>T on the coding strand, the complement: GLI3 is on the minus strand). VCF-style: chr7-42026383-G-A. GRCh37 (hg19) VCF-style: chr7-42065982-G-A.
Other names: short protein forms A353V.
Identifiers: ClinVar variation 2029003 (VCV002029003.5), dbSNP rs765318570, ClinGen allele CA4230957.